The following is an entry in ClinVar:

NM_002858.4(ABCD3):c.1268T>A (p.Val423Asp)

Gene: ABCD3 (ATP binding cassette subfamily D member 3; plus strand). Cytogenetic location: 1p21.3.
Variant type: single nucleotide variant.
Coding change: c.1268T>A on transcript NM_002858.4 (MANE Select); coding-DNA position 1268, T replaced by A.
Protein change: p.Val423Asp; replaces valine 423 with aspartic acid.
Molecular consequence: missense variant.
Genome position (GRCh38, 1-based): chr1:94,489,921, T>A. VCF-style: chr1-94489921-T-A. GRCh37 (hg19) VCF-style: chr1-94955477-T-A.
Other names: c.1268T>A (NM_002858.3); short protein forms V423D.
Identifiers: ClinVar variation 1525051 (VCV001525051.7), dbSNP rs891756768, ClinGen allele CA26885516.

ClinVar aggregate classification (germline): Uncertain significance. Review status: criteria provided, multiple submitters, no conflicts (2 of 4 stars). 2 submissions from 2 submitters: Uncertain significance (2). Last evaluated 2025-12-11.

Allele frequency attached by ClinVar (database versions not stated): gnomAD exomes below 0.00001; gnomAD 0.00001 and 0.00002.
gnomAD v4.1: 7 of 1,613,076 alleles (0.00043%); highest among the groups gnomAD compares: Admixed American, 0.0067%; no homozygotes.

Submissions (2):

Labcorp Genetics (formerly Invitae), Labcorp
Classification: Uncertain significance. Last evaluated: 2025-12-11. Review status: criteria provided, single submitter. Criteria: Invitae Variant Classification Sherloc (09022015). Collection method: clinical testing. Allele origin: germline.
Comment: This sequence change replaces valine, which is neutral and non-polar, with aspartic acid, which is acidic and polar, at codon 423 of the ABCD3 protein (p.Val423Asp). This variant is present in population databases (no rsID available, gnomAD 0.1%). This variant has not been reported in the literature in individuals affected with ABCD3-related conditions. ClinVar contains an entry for this variant (Variation ID: 1525051). An algorithm developed to predict the effect of missense changes on protein structure and function outputs the following: PolyPhen-2: "Benign". The aspartic acid amino acid residue is found in multiple mammalian species, which suggests that this missense change does not adversely affect protein function. In summary, the available evidence is currently insufficient to determine the role of this variant in disease. Therefore, it has been classified as a Variant of Uncertain Significance.

Ambry Genetics
Classification: Uncertain significance. Last evaluated: 2023-09-12. Review status: criteria provided, single submitter. Criteria: Ambry Variant Classification Scheme 2023. Collection method: clinical testing. Allele origin: germline.